The following is an entry in ClinVar:

ClinVar aggregate classification (germline): Uncertain significance (1 of 4 stars; one submission).

Submission:

Labcorp Genetics (formerly Invitae), Labcorp
Classification: Uncertain significance. Last evaluated: 2023-12-25. Review status: criteria provided, single submitter. Criteria: Invitae Variant Classification Sherloc (09022015). Collection method: clinical testing. Allele origin: germline.
Comment: This sequence change replaces phenylalanine, which is neutral and non-polar, with leucine, which is neutral and non-polar, at codon 282 of the AHDC1 protein (p.Phe282Leu). This variant is not present in population databases (gnomAD no frequency). This variant has not been reported in the literature in individuals affected with AHDC1-related conditions. An algorithm developed to predict the effect of missense changes on protein structure and function (PolyPhen-2) suggests that this variant is likely to be tolerated. In summary, the available evidence is currently insufficient to determine the role of this variant in disease. Therefore, it has been classified as a Variant of Uncertain Significance.

NM_001371928.1(AHDC1):c.844T>C (p.Phe282Leu)

Gene: AHDC1 (AT-hook DNA binding motif containing 1; minus strand). Cytogenetic location: 1p36.11.
Variant type: single nucleotide variant.
Coding change: c.844T>C on transcript NM_001371928.1 (MANE Select); coding-DNA position 844, T replaced by C.
Protein change: p.Phe282Leu; replaces phenylalanine 282 with leucine.
Molecular consequence: missense variant.
Genome position (GRCh38, 1-based): chr1:27,551,272, A>G on the plus strand (T>C on the coding strand, the complement: AHDC1 is on the minus strand). VCF-style: chr1-27551272-A-G. GRCh37 (hg19) VCF-style: chr1-27877783-A-G.
Other names: c.844T>C, p.Phe282Leu (NM_001029882.3); short protein forms F282L.
Identifiers: ClinVar variation 2982644 (VCV002982644.3), dbSNP rs2522061179, ClinGen allele CA339235970.